The following is an entry in ClinVar:

ClinVar aggregate classification (germline): Uncertain significance. Review status: criteria provided, multiple submitters, no conflicts (2 of 4 stars). 3 submissions from 3 submitters: Uncertain significance (2). 1 of the submissions does not count toward it. Last evaluated 2025-07-21.

Conditions:
Inborn genetic diseases. Identifiers: MedGen C0950123, MeSH D030342.
Pulmonary fibrosis and/or bone marrow failure, Telomere-related, 3. Also called: PULMONARY FIBROSIS AND/OR BONE MARROW FAILURE SYNDROME, TELOMERE-RELATED, 3. Identifiers: Orphanet 2032, MedGen C4225346, MONDO:0014613, OMIM 616373.
Dyskeratosis congenita, autosomal recessive 5 (DKCB5). Identifiers: MedGen C3554656, MONDO:0014076, OMIM 615190.
Dyskeratosis congenita. Identifiers: Orphanet 1775, MedGen C0265965, MONDO:0015780.

Allele frequency attached by ClinVar (database versions not stated): TOPMed below 0.00001; ExAC 0.00001.
gnomAD v4.1: 2 of 1,612,476 alleles (0.00012%); highest among the groups gnomAD compares: East Asian, 0.0045%; no homozygotes.

Submissions (3):

Labcorp Genetics (formerly Invitae), Labcorp
Classification: Uncertain significance for Dyskeratosis congenita, autosomal recessive 5; Pulmonary fibrosis and/or bone marrow failure, Telomere-related, 3. Last evaluated: 2025-07-21. Review status: criteria provided, single submitter. Criteria: Invitae Variant Classification Sherloc (09022015). Collection method: clinical testing. Allele origin: germline.
Comment: This sequence change replaces leucine, which is neutral and non-polar, with arginine, which is basic and polar, at codon 862 of the RTEL1 protein (p.Leu862Arg). This variant is present in population databases (rs765909720, gnomAD 0.01%). This variant has not been reported in the literature in individuals affected with RTEL1-related conditions. ClinVar contains an entry for this variant (Variation ID: 1045812). An algorithm developed to predict the effect of missense changes on protein structure and function outputs the following: PolyPhen-2: "Benign". The arginine amino acid residue is found in multiple mammalian species, which suggests that this missense change does not adversely affect protein function. In summary, the available evidence is currently insufficient to determine the role of this variant in disease. Therefore, it has been classified as a Variant of Uncertain Significance.

Ambry Genetics
Classification: Uncertain significance for Inborn genetic diseases. Last evaluated: 2024-05-28. Review status: criteria provided, single submitter. Criteria: Ambry Variant Classification Scheme 2023. Collection method: clinical testing. Allele origin: germline.

Natera, Inc.
Classification: Uncertain significance for Dyskeratosis congenita. Last evaluated: 2020-02-26. Review status: no assertion criteria provided. Collection method: clinical testing. Allele origin: germline. Not counted in ClinVar's aggregate classification.

NM_001283009.2(RTEL1):c.2585T>G (p.Leu862Arg)

Genes: RTEL1-TNFRSF6B (RTEL1-TNFRSF6B readthrough (NMD candidate); plus strand), RTEL1 (regulator of telomere elongation helicase 1; plus strand). Cytogenetic location: 20q13.33.
Variant type: single nucleotide variant.
Coding change: c.2585T>G on transcript NM_001283009.2 (MANE Select); coding-DNA position 2585, T replaced by G.
Protein change: p.Leu862Arg; replaces leucine 862 with arginine.
Molecular consequence: missense variant. On other transcripts: non-coding transcript variant (1).
Genome position (GRCh38, 1-based): chr20:63,691,770, T>G. VCF-style: chr20-63691770-T-G. GRCh37 (hg19) VCF-style: chr20-62323123-T-G.
Other names: c.2657T>G (NM_032957.4); c.1916T>G, p.Leu639Arg (NM_001283010.1); c.2585T>G, p.Leu862Arg (NM_016434.4); c.2657T>G, p.Leu886Arg (NM_032957.5); short protein forms L862R, L886R, L639R.
Identifiers: ClinVar variation 1045812 (VCV001045812.10), dbSNP rs765909720, ClinGen allele CA9965422.